The following is an entry in ClinVar:

ClinVar aggregate classification (germline): Uncertain significance. Review status: criteria provided, multiple submitters, no conflicts (2 of 4 stars). 2 submissions from 2 submitters: Uncertain significance (2). Last evaluated 2023-11-11.

Allele frequency attached by ClinVar (database versions not stated): 1000 Genomes Project 30x 0.00016; 1000 Genomes Project 0.00020; ESP Exome Variant Server 0.00023; gnomAD 0.00031.
gnomAD v4.1: 106 of 1,614,036 alleles (0.0066%); highest among the groups gnomAD compares: African/African-American, 0.13%; no homozygotes.

Submissions (2):

Labcorp Genetics (formerly Invitae), Labcorp
Classification: Uncertain significance. Last evaluated: 2023-11-11. Review status: criteria provided, single submitter. Criteria: Invitae Variant Classification Sherloc (09022015). Collection method: clinical testing. Allele origin: germline.
Comment: This sequence change replaces aspartic acid, which is acidic and polar, with valine, which is neutral and non-polar, at codon 814 of the BICC1 protein (p.Asp814Val). This variant is present in population databases (rs147052030, gnomAD 0.1%), and has an allele count higher than expected for a pathogenic variant. This variant has not been reported in the literature in individuals affected with BICC1-related conditions. ClinVar contains an entry for this variant (Variation ID: 2324451). An algorithm developed to predict the effect of missense changes on protein structure and function (PolyPhen-2) suggests that this variant is likely to be tolerated. In summary, the available evidence is currently insufficient to determine the role of this variant in disease. Therefore, it has been classified as a Variant of Uncertain Significance.

Ambry Genetics
Classification: Uncertain significance. Last evaluated: 2022-11-08. Review status: criteria provided, single submitter. Criteria: Ambry Variant Classification Scheme 2023. Collection method: clinical testing. Allele origin: germline.

NM_001080512.3(BICC1):c.2441A>T (p.Asp814Val)

Gene: BICC1 (BicC family RNA binding protein 1; plus strand). Cytogenetic location: 10q21.1.
Variant type: single nucleotide variant.
Coding change: c.2441A>T on transcript NM_001080512.3 (MANE Select); coding-DNA position 2441, A replaced by T.
Protein change: p.Asp814Val; replaces aspartic acid 814 with valine.
Molecular consequence: missense variant.
Genome position (GRCh38, 1-based): chr10:58,813,894, A>T. VCF-style: chr10-58813894-A-T. GRCh37 (hg19) VCF-style: chr10-60573654-A-T.
Other names: short protein forms D814V.
Identifiers: ClinVar variation 2324451 (VCV002324451.5), dbSNP rs147052030, ClinGen allele CA5508807.
Genomic context (GRCh38, chr10:58,813,894, plus strand): 5'-CATCCATGTCCCTTTCACGGTCCAACAGTCGTGAGCACTTGGGAGGTGGAAGCGAATCTG[A>T]TAACTGGAGAGACCGAAATGGAATTGGACCTGGAAGTCATAGTGAATTTGCAGCTTCTAT-3'
Protein context (NP_001073981.1, residues 804-824): REHLGGGSES[Asp814Val]NWRDRNGIGP